The following is an entry in ClinVar:

NM_052947.4(ALPK2):c.3949G>C (p.Glu1317Gln)

Genes: ALPK2 (alpha kinase 2; minus strand), LOC126862764 (BRD4-independent group 4 enhancer GRCh37_chr18:56202574-56203773; plus strand). Cytogenetic location: 18q21.31.
Variant type: single nucleotide variant.
Coding change: c.3949G>C on transcript NM_052947.4 (MANE Select); coding-DNA position 3949, G replaced by C.
Protein change: p.Glu1317Gln; replaces glutamic acid 1317 with glutamine.
Molecular consequence: missense variant.
Genome position (GRCh38, 1-based): chr18:58,536,238, C>G on the plus strand (G>C on the coding strand, the complement: ALPK2 is on the minus strand). VCF-style: chr18-58536238-C-G. GRCh37 (hg19) VCF-style: chr18-56203470-C-G.
Other names: short protein forms E1317Q.
Identifiers: ClinVar variation 3228714 (VCV003228714.1), dbSNP rs771196152, ClinGen allele CA402565051.
Genomic context (GRCh38, chr18:58,536,238, plus strand): 5'-TGGGTTGGCTGAAACCCCGGGAAGAAAGACTTCTCCAATGTACACTGATGGTGGGCTCTT[C>G]GCCTTTATGGCTTTCTCTGCTATCAGCAAGGGCTGACTCAGCATCCTCTGGACTGTGAGC-3'
Protein context (NP_443179.3, residues 1307-1327): LADSRESHKG[Glu1317Gln]EPTISVHWRS

ClinVar aggregate classification (germline): Uncertain significance (1 of 4 stars; one submission).

Submission:

Ambry Genetics
Classification: Uncertain significance. Last evaluated: 2024-01-09. Review status: criteria provided, single submitter. Criteria: Ambry Variant Classification Scheme 2023. Collection method: clinical testing. Allele origin: germline.
Comment: The p.E1317Q variant (also known as c.3949G>C), located in coding exon 4 of the ALPK2 gene, results from a G to C substitution at nucleotide position 3949. The glutamic acid at codon 1317 is replaced by glutamine, an amino acid with highly similar properties. This amino acid position is conserved. In addition, this alteration is predicted to be tolerated by in silico analysis. Since supporting evidence is limited at this time, the clinical significance of this alteration remains unclear.